The following is an entry in ClinVar:

ClinVar aggregate classification (germline): Likely benign (1 of 4 stars; one submission).

Conditions:
NRP2-related disorder. Also called: NRP2-related condition.

gnomAD v4.1: 1 of 1,612,412 alleles (0.000062%); no homozygotes.

Submission:

PreventionGenetics, part of Exact Sciences
Classification: Likely benign for NRP2-related condition. Last evaluated: 2025-06-04. Review status: criteria provided, single submitter. Criteria: ACMG Guidelines, 2015. Collection method: clinical testing. Allele origin: germline.
Comment: This variant is classified as likely benign based on ACMG/AMP sequence variant interpretation guidelines (Richards et al. 2015 PMID: 25741868, with internal and published modifications).

NM_003872.3(NRP2):c.2425+9444G>T

Gene: NRP2 (neuropilin 2; plus strand). Cytogenetic location: 2q33.3.
Variant type: single nucleotide variant.
Coding change: c.2425+9444G>T on transcript NM_003872.3 (MANE Select); 9444 bases into the intron after coding-DNA position 2425, G replaced by T.
Molecular consequence: intron variant. On other transcripts: synonymous variant (2).
Genome position (GRCh38, 1-based): chr2:205,776,247, G>T. VCF-style: chr2-205776247-G-T. GRCh37 (hg19) VCF-style: chr2-206640971-G-T.
Other names: c.2442G>T, p.Gly814= (NM_018534.4); c.2427G>T, p.Gly809= (NM_201267.2); c.2440+9429G>T (NM_201266.2); c.2425+9444G>T (NM_201279.2).
Identifiers: ClinVar variation 4996919 (VCV004996919.1).
Genomic context (GRCh38, chr2:205,776,247, plus strand): 5'-TCTTTTGATTAGTCTGCATGCTCTCAGCCTAGCAACACTCTTCTGTGTCTCTCCACCAGG[G>T]GGCACCCTCCTGCCAGGGACCGAGCCCACAGTGGACACGGTGCCCATGCAGCCCATCCCA-3'